The following is an entry in ClinVar:

ClinVar aggregate classification (germline): Uncertain significance. Review status: criteria provided, multiple submitters, no conflicts (2 of 4 stars). 2 submissions from 2 submitters: Uncertain significance (2). Last evaluated 2026-07-27.

Conditions:
RTEL1-related disorder. Also called: RTEL1-related condition; RTEL1-related disorders.
Inborn genetic diseases. Identifiers: MedGen C0950123, MeSH D030342.

Submissions (2):

PreventionGenetics, part of Exact Sciences
Classification: Uncertain significance for RTEL1-related condition. Last evaluated: 2026-07-27. Review status: criteria provided, single submitter. Criteria: ACMG Guidelines, 2015. Collection method: clinical testing. Allele origin: germline.
Comment: The RTEL1 c.2771T>C variant is predicted to result in the amino acid substitution p.Met924Thr. To our knowledge, this variant has not been reported in the literature or in a large population database (gnomAD), indicating this variant is rare. At this time, the clinical significance of this variant is uncertain due to the absence of conclusive functional and genetic evidence.

Ambry Genetics
Classification: Uncertain significance for Inborn genetic diseases. Last evaluated: 2025-06-25. Review status: criteria provided, single submitter. Criteria: Ambry Variant Classification Scheme 2023. Collection method: clinical testing. Allele origin: germline.
Comment: The p.M900T variant (also known as c.2699T>C), located in coding exon 28 of the RTEL1 gene, results from a T to C substitution at nucleotide position 2699. The methionine at codon 900 is replaced by threonine, an amino acid with similar properties. This amino acid position is conserved. In addition, this alteration is predicted to be tolerated by in silico analysis. Based on the available evidence, the clinical significance of this variant remains unclear.

NM_001283009.2(RTEL1):c.2699T>C (p.Met900Thr)

Genes: RTEL1 (regulator of telomere elongation helicase 1; plus strand), RTEL1-TNFRSF6B (RTEL1-TNFRSF6B readthrough (NMD candidate); plus strand). Cytogenetic location: 20q13.33.
Variant type: single nucleotide variant.
Coding change: c.2699T>C on transcript NM_001283009.2 (MANE Select); coding-DNA position 2699, T replaced by C.
Protein change: p.Met900Thr; replaces methionine 900 with threonine.
Molecular consequence: missense variant. On other transcripts: non-coding transcript variant (1).
Genome position (GRCh38, 1-based): chr20:63,692,851, T>C. VCF-style: chr20-63692851-T-C. GRCh37 (hg19) VCF-style: chr20-62324204-T-C.
Other names: c.2771T>C (NM_032957.4); c.2030T>C, p.Met677Thr (NM_001283010.1); c.2699T>C, p.Met900Thr (NM_016434.4); c.2771T>C, p.Met924Thr (NM_032957.5); short protein forms M924T, M677T, M900T.
Identifiers: ClinVar variation 4157573 (VCV004157573.2).